The following is an entry in ClinVar:

NM_000368.5(TSC1):c.56T>G (p.Leu19Arg)

Gene: TSC1 (TSC complex subunit 1; minus strand). Cytogenetic location: 9q34.13.
Variant type: single nucleotide variant.
Coding change: c.56T>G on transcript NM_000368.5 (MANE Select); coding-DNA position 56, T replaced by G.
Protein change: p.Leu19Arg; replaces leucine 19 with arginine.
Molecular consequence: missense variant. On other transcripts: 5 prime UTR variant (16), non-coding transcript variant (5), intron variant (2).
Genome position (GRCh38, 1-based): chr9:132,928,817, A>C on the plus strand (T>G on the coding strand, the complement: TSC1 is on the minus strand). VCF-style: chr9-132928817-A-C. GRCh37 (hg19) VCF-style: chr9-135804204-A-C.
Other names: c.56T>G, p.Leu19Arg (NM_001406595.1, NM_001406596.1, NM_001406597.1 and 21 more transcripts); c.-204T>G (NM_001362177.2, NM_001406617.1, NM_001406619.1 and 3 more transcripts); c.-296T>G (NM_001406614.1); c.-433T>G (NM_001406615.1, NM_001406623.1); c.-400T>G (NM_001406616.1, NM_001406624.1); c.-822T>G (NM_001406626.1, NM_001406627.1, NM_001406628.1); c.-964T>G (NM_001406629.1); c.-1038T>G (NM_001406630.1); and 1 more; short protein forms L19R.
Identifiers: ClinVar variation 3811240 (VCV003811240.2).
Genomic context (GRCh38, chr9:132,928,817, plus strand): 5'-TTTTGCTAACCAGAATTGAGGTTCTCTTTAAAGACAGCTGTCACGTCGTCCCGCACACCC[A>C]GCATGGGGGAGTCCAGCATGGCAAGAAGCTCCCCGACATTTGCTTGTTGGGCCATTCTCT-3'
Protein context (NP_000359.1, residues 9-29): ELLAMLDSPM[Leu19Arg]GVRDDVTAVF

ClinVar aggregate classification (germline): Uncertain significance (1 of 4 stars; one submission).

Conditions:
Hereditary cancer-predisposing syndrome. Also called: Hereditary Cancer Syndrome; Hereditary neoplastic syndrome; Neoplastic Syndromes, Hereditary; Tumor predisposition. Identifiers: Orphanet 140162, MedGen C0027672, MeSH D009386, MONDO:0015356.

Submission:

Ambry Genetics
Classification: Uncertain significance for Hereditary cancer-predisposing syndrome. Last evaluated: 2026-08-21. Review status: criteria provided, single submitter. Criteria: Ambry Variant Classification Scheme 2023. Collection method: clinical testing. Allele origin: germline.
Comment: The p.L19R variant (also known as c.56T>G), located in coding exon 1 of the TSC1 gene, results from a T to G substitution at nucleotide position 56. The leucine at codon 19 is replaced by arginine, an amino acid with dissimilar properties. This amino acid position is highly conserved in available vertebrate species. In addition, this alteration is predicted to be deleterious by in silico analysis. Based on the available evidence, the clinical significance of this variant remains unclear.